The following is an entry in ClinVar:

NM_001321075.3(DLG4):c.2152G>A (p.Val718Ile)

Gene: DLG4 (discs large MAGUK scaffold protein 4; minus strand). Cytogenetic location: 17p13.1.
Variant type: single nucleotide variant.
Coding change: c.2152G>A on transcript NM_001321075.3 (MANE Select); coding-DNA position 2152, G replaced by A.
Protein change: p.Val718Ile; replaces valine 718 with isoleucine.
Molecular consequence: missense variant. On other transcripts: non-coding transcript variant (1).
Genome position (GRCh38, 1-based): chr17:7,190,731, C>T on the plus strand (G>A on the coding strand, the complement: DLG4 is on the minus strand). VCF-style: chr17-7190731-C-T. GRCh37 (hg19) VCF-style: chr17-7094050-C-T.
Other names: c.2143G>A, p.Val715Ile (NM_001128827.4); c.2272G>A, p.Val758Ile (NM_001321074.1); c.1972G>A, p.Val658Ile (NM_001321076.3, NM_001321077.3); c.2281G>A, p.Val761Ile (NM_001365.5); c.2071G>A, p.Val691Ile (NM_001369566.3); short protein forms V691I, V718I, V715I, V658I, V758I, V761I.
Identifiers: ClinVar variation 774928 (VCV000774928.30), dbSNP rs147232488, ClinGen allele CA8336736.

ClinVar aggregate classification (germline): Benign/Likely benign. Review status: criteria provided, multiple submitters, no conflicts (2 of 4 stars). 5 submissions from 5 submitters: Benign (1); Likely benign (3). 1 of the submissions does not count toward it. Last evaluated 2026-08-01.

Conditions:
DLG4-related disorder. Also called: DLG4-related condition.

Allele frequency attached by ClinVar (database versions not stated): ESP Exome Variant Server 0.00136; gnomAD 0.00170 and 0.00172; ExAC 0.00175; gnomAD exomes 0.00177 and 0.00244; TOPMed 0.00196; 1000 Genomes Project 30x 0.00203; 1000 Genomes Project 0.00220.
gnomAD v4.1: 3,805 of 1,613,744 alleles (0.24%); highest among the groups gnomAD compares: Non-Finnish European, 0.29%; 7 homozygotes.

Submissions (5):

CeGaT Center for Human Genetics Tuebingen
Classification: Benign. Last evaluated: 2026-08-01. Review status: criteria provided, single submitter. Criteria: CeGaT Center For Human Genetics Tuebingen Variant Classification Criteria Version 2. Collection method: clinical testing. Allele origin: germline. Affected: yes. Observed: 11 variant alleles.
Comment: DLG4: BP4, BS1, BS2

Blueprint Genetics
Classification: Likely benign. Last evaluated: 2024-11-25. Review status: criteria provided, single submitter. Criteria: ACMG Guidelines, 2015. Collection method: clinical testing. Allele origin: germline.

Labcorp Genetics (formerly Invitae), Labcorp
Classification: Likely benign. Last evaluated: 2019-12-31. Review status: criteria provided, single submitter. Criteria: Invitae Variant Classification Sherloc (09022015). Collection method: clinical testing. Allele origin: germline.

Breakthrough Genomics
Classification: Likely benign. Review status: criteria provided, single submitter. Criteria: ACMG Guidelines, 2015. Collection method: not provided. Allele origin: germline. Inheritance: Autosomal dominant inheritance. Affected: yes.

PreventionGenetics, part of Exact Sciences
Classification: Likely benign for DLG4-related condition. Last evaluated: 2021-08-24. Review status: no assertion criteria provided. Collection method: clinical testing. Allele origin: germline. Not counted in ClinVar's aggregate classification.
Comment: This variant is classified as likely benign based on ACMG/AMP sequence variant interpretation guidelines (Richards et al. 2015 PMID: 25741868, with internal and published modifications).